The following is an entry in ClinVar:

NM_020738.4(KIDINS220):c.901-5_901-2del

Gene: KIDINS220 (kinase D interacting substrate 220; minus strand). Cytogenetic location: 2p25.1.
Variant type: Deletion.
Coding change: c.901-5_901-2del on transcript NM_020738.4 (MANE Select); 5 bases into the intron before coding-DNA position 901 through the canonical splice acceptor site of the intron before coding-DNA position 901, 4 bases deleted (TCTA; older notation c.901-5_901-2delTCTA).
Molecular consequence: splice acceptor variant.
Genome position (GRCh38, 1-based): chr2:8,798,302-8,798,305, TAGA deleted on the plus strand (TCTA on the coding strand, the reverse complement: KIDINS220 is on the minus strand); deleting any 4 consecutive bases within chr2:8,798,302-8,798,307 gives the same sequence; the c. name uses the placement nearest the transcript's 3' end. VCF-style (leftmost placement, unchanged base first): chr2-8798301-CTAGA-C. GRCh37 (hg19) VCF-style: chr2-8938431-CTAGA-C.
Other names: c.901-5_901-2del (NM_001348741.2, NM_001348738.2, NM_001348742.2 and 3 more transcripts); c.904-5_904-2del (NM_001348739.2, NM_001348740.2, NM_001348734.2 and 3 more transcripts); c.775-5_775-2del (NM_001348736.2); c.901-5_901-2delTCTA (NM_020738.2).
Identifiers: ClinVar variation 1644613 (VCV001644613.10), dbSNP rs538592227, ClinGen allele CA1520306.

ClinVar aggregate classification (germline): Likely benign. Review status: criteria provided, single submitter (1 of 4 stars). 2 submissions from 2 submitters: Likely benign (1). 1 of the submissions does not count toward it. Last evaluated 2026-01-12.

Conditions:
KIDINS220-related disorder. Also called: KIDINS220-related condition.

Submissions (2):

Labcorp Genetics (formerly Invitae), Labcorp
Classification: Likely benign. Last evaluated: 2026-01-12. Review status: criteria provided, single submitter. Criteria: Invitae Variant Classification Sherloc (09022015). Collection method: clinical testing. Allele origin: germline.

PreventionGenetics, part of Exact Sciences
Classification: Likely benign for KIDINS220-related condition. Last evaluated: 2021-07-15. Review status: no assertion criteria provided. Collection method: clinical testing. Allele origin: germline. Not counted in ClinVar's aggregate classification.
Comment: This variant is classified as likely benign based on ACMG/AMP sequence variant interpretation guidelines (Richards et al. 2015 PMID: 25741868, with internal and published modifications).